The following is an entry in ClinVar:

ClinVar aggregate classification (germline): Uncertain significance. Review status: criteria provided, multiple submitters, no conflicts (2 of 4 stars). 2 submissions from 2 submitters: Uncertain significance (2). Last evaluated 2023-09-27.

Conditions:
Autosomal dominant hypocalcemia 1 (HYPOC1). Also called: HYPOCALCEMIA, FAMILIAL. Identifiers: MedGen C3715128, MONDO:0011013, OMIM 601198.
Familial hypocalciuric hypercalcemia (FHH). Also called: Familial benign hypercalcemia. Identifiers: Orphanet 405, MedGen C1809471, MONDO:0018458.

Submissions (2):

Mayo Clinic Laboratories, Mayo Clinic
Classification: Uncertain significance. Last evaluated: 2023-09-27. Review status: criteria provided, single submitter. Criteria: ACMG Guidelines, 2015. Collection method: clinical testing. Allele origin: germline. Observed: 1 variant allele.
Comment: PP2, PM2

Labcorp Genetics (formerly Invitae), Labcorp
Classification: Uncertain significance for Familial hypocalciuric hypercalcemia; Autosomal dominant hypocalcemia 1. Last evaluated: 2018-10-29. Review status: criteria provided, single submitter. Criteria: Invitae Variant Classification Sherloc (09022015). Collection method: clinical testing. Allele origin: germline.
Comment: This variant has not been reported in the literature in individuals with CASR-related disease. This variant is not present in population databases (ExAC no frequency). Algorithms developed to predict the effect of missense changes on protein structure and function (SIFT, PolyPhen-2, Align-GVGD) all suggest that this variant is likely to be disruptive, but these predictions have not been confirmed by published functional studies and their clinical significance is uncertain. This sequence change replaces threonine with isoleucine at codon 876 of the CASR protein (p.Thr876Ile). The threonine residue is highly conserved and there is a moderate physicochemical difference between threonine and isoleucine. In summary, the available evidence is currently insufficient to determine the role of this variant in disease. Therefore, it has been classified as a Variant of Uncertain Significance.

NM_000388.4(CASR):c.2627C>T (p.Thr876Ile)

Gene: CASR (calcium sensing receptor; plus strand). Cytogenetic location: 3q21.1.
Variant type: single nucleotide variant.
Coding change: c.2627C>T on transcript NM_000388.4 (MANE Select); coding-DNA position 2627, C replaced by T.
Protein change: p.Thr876Ile; replaces threonine 876 with isoleucine.
Molecular consequence: missense variant.
Genome position (GRCh38, 1-based): chr3:122,284,581, C>T. VCF-style: chr3-122284581-C-T. GRCh37 (hg19) VCF-style: chr3-122003428-C-T.
Other names: p.Thr876Ile; c.2657C>T, p.Thr886Ile (NM_001178065.2); short protein forms T876I, T886I.
Identifiers: ClinVar variation 641279 (VCV000641279.10), dbSNP rs1576878212, ClinGen allele CA354160443.